The following is an entry in ClinVar:

ClinVar aggregate classification (germline): Uncertain significance (1 of 4 stars; one submission).

Conditions:
Cardiovascular phenotype. Identifiers: MedGen CN230736.
Hereditary cancer-predisposing syndrome. Also called: Neoplastic Syndromes, Hereditary; Tumor predisposition; Hereditary Cancer Syndrome; Hereditary neoplastic syndrome. Identifiers: Orphanet 140162, MedGen C0027672, MeSH D009386, MONDO:0015356.

Submission:

Ambry Genetics
Classification: Uncertain significance for Cardiovascular phenotype; Hereditary cancer-predisposing syndrome. Last evaluated: 2026-05-01. Review status: criteria provided, single submitter. Criteria: Ambry Variant Classification Scheme 2023. Collection method: clinical testing. Allele origin: germline.
Comment: The p.L1113I variant (also known as c.3337C>A), located in coding exon 26 of the NF1 gene, results from a C to A substitution at nucleotide position 3337. The leucine at codon 1113 is replaced by isoleucine, an amino acid with highly similar properties. This amino acid position is highly conserved in available vertebrate species. In addition, this alteration is predicted to be tolerated by in silico analysis. Based on the available evidence, the clinical significance of this variant remains unclear.

NM_001042492.3(NF1):c.3337C>A (p.Leu1113Ile)

Gene: NF1 (neurofibromin 1; plus strand). Cytogenetic location: 17q11.2.
Variant type: single nucleotide variant.
Coding change: c.3337C>A on transcript NM_001042492.3 (MANE Select); coding-DNA position 3337, C replaced by A.
Protein change: p.Leu1113Ile; replaces leucine 1113 with isoleucine.
Molecular consequence: missense variant.
Genome position (GRCh38, 1-based): chr17:31,232,722, C>A. VCF-style: chr17-31232722-C-A. GRCh37 (hg19) VCF-style: chr17-29559740-C-A.
Other names: c.3337C>A, p.Leu1113Ile (NM_000267.4); short protein forms L1113I.
Identifiers: ClinVar variation 4860840 (VCV004860840.1).